The following is an entry in ClinVar:

ClinVar aggregate classification (germline): Uncertain significance (1 of 4 stars; one submission).

Conditions:
Inborn genetic diseases. Identifiers: MedGen C0950123, MeSH D030342.

Submission:

Ambry Genetics
Classification: Uncertain significance for Inborn genetic diseases. Last evaluated: 2024-12-13. Review status: criteria provided, single submitter. Criteria: Ambry Variant Classification Scheme 2023. Collection method: clinical testing. Allele origin: germline.
Comment: The c.799-1G>A intronic variant results from a G to A substitution one nucleotide upstream from coding exon 9 of the DDX41 gene. Alterations that disrupt the canonical splice site are expected to result in aberrant splicing. In silico splice site analysis predicts that this alteration will weaken the native splice acceptor site and may result in the creation or strengthening of a novel splice acceptor site. The resulting transcript is predicted to be in-frame and is not expected to trigger nonsense-mediated mRNAdecay; however, direct evidence is insufficient at this time (Ambry internal data). This nucleotide position is well conserved in available vertebrate species. Based on the available evidence, the clinical significance of this variant remains unclear.

NM_016222.4(DDX41):c.799-1G>A

Gene: DDX41 (DEAD-box helicase 41; minus strand). Cytogenetic location: 5q35.3.
Variant type: single nucleotide variant.
Coding change: c.799-1G>A on transcript NM_016222.4 (MANE Select); the canonical splice acceptor site of the intron before coding-DNA position 799, G replaced by A.
Molecular consequence: splice acceptor variant.
Genome position (GRCh38, 1-based): chr5:177,514,838, C>T on the plus strand (G>A on the coding strand, the complement: DDX41 is on the minus strand). VCF-style: chr5-177514838-C-T. GRCh37 (hg19) VCF-style: chr5-176941839-C-T.
Other names: c.421-1G>A (NM_001321830.2, NM_001321732.2).
Identifiers: ClinVar variation 3838911 (VCV003838911.1).